The following is an entry in ClinVar:

NM_000238.4(KCNH2):c.2911G>A (p.Glu971Lys)

Gene: KCNH2 (potassium voltage-gated channel subfamily H member 2; minus strand). Cytogenetic location: 7q36.1.
Variant type: single nucleotide variant.
Coding change: c.2911G>A on transcript NM_000238.4 (MANE Select); coding-DNA position 2911, G replaced by A.
Protein change: p.Glu971Lys; replaces glutamic acid 971 with lysine.
Molecular consequence: missense variant. On other transcripts: non-coding transcript variant (2).
Genome position (GRCh38, 1-based): chr7:150,947,660, C>T on the plus strand (G>A on the coding strand, the complement: KCNH2 is on the minus strand). VCF-style: chr7-150947660-C-T. GRCh37 (hg19) VCF-style: chr7-150644748-C-T.
Other names: c.2623G>A, p.Glu875Lys (NM_001406753.1); c.1891G>A, p.Glu631Lys (NM_172057.3); short protein forms E875K, E631K, E971K.
Identifiers: ClinVar variation 2735094 (VCV002735094.4), dbSNP rs1800959335, ClinGen allele CA369853157.
Genomic context (GRCh38, chr7:150,947,660, plus strand): 5'-GGATACCTGACAGGGGGTTGCAAGTGTCGCTGCTCTTCTCGCAGTCCTCCATCAGGGGCT[C>T]CCCACCCGGCGGCTCTCCGGGGGGCCTGGGGCTGGAGAAGGGCACCAGGCGGAGGGGGCT-3'
Protein context (NP_000229.1, residues 961-981): PRPPGEPPGG[Glu971Lys]PLMEDCEKSS

ClinVar aggregate classification (germline): Uncertain significance. Review status: criteria provided, multiple submitters, no conflicts (2 of 4 stars). 2 submissions from 2 submitters: Uncertain significance (2). Last evaluated 2023-10-27.

Conditions:
Long QT syndrome (LQTS). Identifiers: MedGen C0023976, MeSH D008133, MONDO:0002442. Disease mechanism: loss of function. Inheritance: Various modes of inheritance.

Allele frequency attached by ClinVar (database versions not stated): gnomAD exomes 0.00001.

Submissions (2):

All of Us Research Program, National Institutes of Health
Classification: Uncertain significance for Long QT syndrome. Last evaluated: 2023-10-27. Review status: criteria provided, single submitter. Criteria: ACMG Guidelines, 2015. Collection method: clinical testing. Allele origin: germline. Inheritance: Autosomal dominant inheritance. Observed: 2 variant alleles, 2 heterozygotes.
Comment: This missense variant replaces glutamic acid with lysine at codon 971 of the KCNH2 protein. Computational prediction suggests that this variant may not impact protein structure and function (internally defined REVEL score threshold <= 0.5, PMID: 27666373). To our knowledge, functional studies have not been reported for this variant. This variant has not been reported in individuals affected with KCNH2-related disorders in the literature. This variant has not been identified in the general population by the Genome Aggregation Database (gnomAD). The available evidence is insufficient to determine the role of this variant in disease conclusively. Therefore, this variant is classified as a Variant of Uncertain Significance.

This study involves interpretation of variants in research participants for the purpose of population health screening. Participant phenotype was not available at the time of variant classification. Additional details can be found in publication PMID: 35346344, PMCID: PMC8962531

Labcorp Genetics (formerly Invitae), Labcorp
Classification: Uncertain significance for Long QT syndrome. Last evaluated: 2023-10-22. Review status: criteria provided, single submitter. Criteria: Invitae Variant Classification Sherloc (09022015). Collection method: clinical testing. Allele origin: germline.
Comment: This sequence change replaces glutamic acid, which is acidic and polar, with lysine, which is basic and polar, at codon 971 of the KCNH2 protein (p.Glu971Lys). This variant is not present in population databases (gnomAD no frequency). This missense change has been observed in individual(s) with long QT syndrome (PMID: 26715165). An algorithm developed to predict the effect of missense changes on protein structure and function (PolyPhen-2) suggests that this variant is likely to be tolerated. In summary, the available evidence is currently insufficient to determine the role of this variant in disease. Therefore, it has been classified as a Variant of Uncertain Significance.

Literature cited by the submitters: PubMed 26715165 (cited by Labcorp Genetics (formerly Invitae), Labcorp).